The following is an entry in ClinVar:

ClinVar aggregate classification (germline): Benign. Review status: criteria provided, multiple submitters, no conflicts (2 of 4 stars). 5 submissions from 5 submitters: Benign (5). Last evaluated 2026-01-31.

Conditions:
Inborn genetic diseases. Identifiers: MedGen C0950123, MeSH D030342.
Cortical dysplasia-focal epilepsy syndrome (PTHSL1). Also called: Pitt-Hopkins-like syndrome 1. Identifiers: Orphanet 163681, Orphanet 221150, MedGen C2750246, MONDO:0012400, OMIM 610042.

Allele frequency attached by ClinVar (database versions not stated): gnomAD exomes 0.00089 and 0.00229; ExAC 0.00289; 1000 Genomes Project 0.00899; gnomAD 0.00905 and 0.00970; 1000 Genomes Project 30x 0.00968; ESP Exome Variant Server 0.00976; TOPMed 0.01029.
gnomAD v4.1: 2,746 of 1,613,554 alleles (0.17%); highest among the groups gnomAD compares: African/African-American, 3.3%; 40 homozygotes.

Submissions (5):

Labcorp Genetics (formerly Invitae), Labcorp
Classification: Benign for Cortical dysplasia-focal epilepsy syndrome. Last evaluated: 2026-01-31. Review status: criteria provided, single submitter. Criteria: Invitae Variant Classification Sherloc (09022015). Collection method: clinical testing. Allele origin: germline.

Genetic Services Laboratory, University of Chicago
Classification: Benign. Last evaluated: 2017-04-03. Review status: criteria provided, single submitter. Criteria: ACMG Guidelines, 2015. Collection method: clinical testing. Allele origin: germline. Affected: no.

Ambry Genetics
Classification: Benign for Inborn genetic diseases. Last evaluated: 2016-05-09. Review status: criteria provided, single submitter. Criteria: Ambry Variant Classification Scheme 2023. Collection method: clinical testing. Allele origin: germline.

GeneDx
Classification: Benign. Last evaluated: 2013-04-04. Review status: criteria provided, single submitter. Criteria: GeneDx Variant Classification (06012015). Collection method: clinical testing. Allele origin: germline. Affected: yes.
Comment: This variant is considered likely benign or benign based on one or more of the following criteria: it is a conservative change, it occurs at a poorly conserved position in the protein, it is predicted to be benign by multiple in silico algorithms, and/or has population frequency not consistent with disease.

PreventionGenetics, part of Exact Sciences
Classification: Benign. Review status: criteria provided, single submitter. Criteria: ACMG Guidelines, 2015. Collection method: clinical testing. Allele origin: germline.

NM_014141.6(CNTNAP2):c.1119G>A (p.Thr373=)

Gene: CNTNAP2 (contactin associated protein 2; plus strand). Cytogenetic location: 7q35.
Variant type: single nucleotide variant.
Coding change: c.1119G>A on transcript NM_014141.6 (MANE Select); coding-DNA position 1119, G replaced by A.
Protein change: p.Thr373=; no amino-acid change (threonine 373 retained).
Molecular consequence: synonymous variant.
Genome position (GRCh38, 1-based): chr7:147,132,280, G>A. VCF-style: chr7-147132280-G-A. GRCh37 (hg19) VCF-style: chr7-146829372-G-A.
Other names: p.T373T:ACG>ACA.
Identifiers: ClinVar variation 128799 (VCV000128799.22), dbSNP rs73471053, ClinGen allele CA288753.